The following is an entry in ClinVar:

NM_004082.5(DCTN1):c.3584T>G (p.Leu1195Arg)

Gene: DCTN1 (dynactin subunit 1; minus strand). Cytogenetic location: 2p13.1.
Variant type: single nucleotide variant.
Coding change: c.3584T>G on transcript NM_004082.5 (MANE Select); coding-DNA position 3584, T replaced by G.
Protein change: p.Leu1195Arg; replaces leucine 1195 with arginine.
Molecular consequence: missense variant. On other transcripts: non-coding transcript variant (1).
Genome position (GRCh38, 1-based): chr2:74,362,675, A>C on the plus strand (T>G on the coding strand, the complement: DCTN1 is on the minus strand). VCF-style: chr2-74362675-A-C. GRCh37 (hg19) VCF-style: chr2-74589802-A-C.
Other names: c.3458T>G, p.Leu1153Arg (NM_001190836.2); c.3563T>G, p.Leu1188Arg (NM_001190837.2); c.3533T>G, p.Leu1178Arg (NM_001378991.1); c.3515T>G, p.Leu1172Arg (NM_001378992.1); c.3182T>G, p.Leu1061Arg (NM_023019.4); c.3509T>G, p.Leu1170Arg (NM_001135040.3); c.3167T>G, p.Leu1056Arg (NM_001135041.3); short protein forms L1188R, L1195R, L1153R, L1170R, L1056R, L1061R, L1172R, L1178R.
Identifiers: ClinVar variation 2950509 (VCV002950509.3), dbSNP rs2529078027, ClinGen allele CA347336667.

ClinVar aggregate classification (germline): Uncertain significance (1 of 4 stars; one submission).

Conditions:
Amyotrophic lateral sclerosis type 1 (ALS1). Also called: AMYOTROPHIC LATERAL SCLEROSIS 1, FAMILIAL. Identifiers: Orphanet 803, MedGen C1862939, MONDO:0007103, OMIM 105400.
Neuronopathy, distal hereditary motor, type 7B. Also called: HMN VIIB; LOWER MOTOR NEURON DISEASE, DYNACTIN TYPE; NEURONOPATHY, DISTAL HEREDITARY MOTOR, AUTOSOMAL DOMINANT 14; NEURONOPATHY, DISTAL HEREDITARY MOTOR, HARDING TYPE VIIB; NEUROPATHY, DISTAL HEREDITARY MOTOR, HARDING TYPE VIIB; NEUROPATHY, DISTAL HEREDITARY MOTOR, WITH VOCAL CORD PARALYSIS, HARDING TYPE VIIB. Identifiers: Orphanet 139589, MedGen C1843315, MONDO:0011879, OMIM 607641.
Perry syndrome. Also called: PARKINSONISM WITH ALVEOLAR HYPOVENTILATION AND MENTAL DEPRESSION. Identifiers: Orphanet 178509, MedGen C1868594, MONDO:0008201, OMIM 168605.

Submission:

Labcorp Genetics (formerly Invitae), Labcorp
Classification: Uncertain significance for Amyotrophic lateral sclerosis type 1; Neuronopathy, distal hereditary motor, type 7B; Perry syndrome. Last evaluated: 2023-07-31. Review status: criteria provided, single submitter. Criteria: Invitae Variant Classification Sherloc (09022015). Collection method: clinical testing. Allele origin: germline.
Comment: In summary, the available evidence is currently insufficient to determine the role of this variant in disease. Therefore, it has been classified as a Variant of Uncertain Significance. Advanced modeling of protein sequence and biophysical properties (such as structural, functional, and spatial information, amino acid conservation, physicochemical variation, residue mobility, and thermodynamic stability) performed at Invitae indicates that this missense variant is expected to disrupt DCTN1 protein function. This variant has not been reported in the literature in individuals affected with DCTN1-related conditions. This variant is not present in population databases (gnomAD no frequency). This sequence change replaces leucine, which is neutral and non-polar, with arginine, which is basic and polar, at codon 1195 of the DCTN1 protein (p.Leu1195Arg).